The following is an entry in ClinVar:

NM_001199397.3(NEK1):c.2803A>G (p.Ser935Gly)

Gene: NEK1 (NIMA related kinase 1; minus strand). Cytogenetic location: 4q33.
Variant type: single nucleotide variant.
Coding change: c.2803A>G on transcript NM_001199397.3 (MANE Select); coding-DNA position 2803, A replaced by G.
Protein change: p.Ser935Gly; replaces serine 935 with glycine.
Molecular consequence: missense variant. On other transcripts: non-coding transcript variant (1).
Genome position (GRCh38, 1-based): chr4:169,433,627, T>C on the plus strand (A>G on the coding strand, the complement: NEK1 is on the minus strand). VCF-style: chr4-169433627-T-C. GRCh37 (hg19) VCF-style: chr4-170354778-T-C.
Other names: c.2671A>G, p.Ser891Gly (NM_001199398.3); c.2512A>G, p.Ser838Gly (NM_001199399.3); c.2587A>G, p.Ser863Gly (NM_001199400.3); c.2803A>G, p.Ser935Gly (NM_001374418.1); c.2719A>G, p.Ser907Gly (NM_001374419.1, NM_012224.4); c.2668A>G, p.Ser890Gly (NM_001374420.1); c.2320A>G, p.Ser774Gly (NM_001374421.1); c.2626A>G, p.Ser876Gly (NM_001440620.1); and 5 more; short protein forms S804G, S832G, S876G, S890G, S935G, S700G, S774G, S848G.
Identifiers: ClinVar variation 4764283 (VCV004764283.1).

ClinVar aggregate classification (germline): Uncertain significance (1 of 4 stars; one submission).

Conditions:
Short-rib thoracic dysplasia 6 with or without polydactyly (SRTD6). Also called: SHORT-RIB THORACIC DYSPLASIA 6 WITH POLYDACTYLY; SHORT-RIB THORACIC DYSPLASIA 6 WITHOUT POLYDACTYLY; POLYDACTYLY WITH NEONATAL CHONDRODYSTROPHY, TYPE II; Majewski Syndrome; SHORT RIB-POLYDACTYLY SYNDROME, TYPE IIA. Identifiers: MedGen C0024507, MONDO:0009894, OMIM 263520.

gnomAD v4.1: 2 of 1,613,488 alleles (0.00012%); highest among the groups gnomAD compares: South Asian, 0.0011%; no homozygotes.

Submission:

Labcorp Genetics (formerly Invitae), Labcorp
Classification: Uncertain significance for Short-rib thoracic dysplasia 6 with or without polydactyly. Last evaluated: 2025-08-12. Review status: criteria provided, single submitter. Criteria: Invitae Variant Classification Sherloc (09022015). Collection method: clinical testing. Allele origin: germline.
Comment: This sequence change replaces serine, which is neutral and polar, with glycine, which is neutral and non-polar, at codon 907 of the NEK1 protein (p.Ser907Gly). This variant is not present in population databases (gnomAD no frequency). This variant has not been reported in the literature in individuals affected with NEK1-related conditions. Invitae Evidence Modeling of protein sequence and biophysical properties (such as structural, functional, and spatial information, amino acid conservation, physicochemical variation, residue mobility, and thermodynamic stability) indicates that this missense variant is not expected to disrupt NEK1 protein function with a negative predictive value of 80%. In summary, the available evidence is currently insufficient to determine the role of this variant in disease. Therefore, it has been classified as a Variant of Uncertain Significance.